The following is an entry in ClinVar:

ClinVar aggregate classification (germline): Likely benign (1 of 4 stars; one submission).

Allele frequency attached by ClinVar (database versions not stated): gnomAD 0.00001; ESP Exome Variant Server 0.00024.
gnomAD v4.1: 1 of 1,607,154 alleles (0.000062%); highest among the groups gnomAD compares: African/African-American, 0.0013%; no homozygotes.

Submission:

CeGaT Center for Human Genetics Tuebingen
Classification: Likely benign. Last evaluated: 2022-03-01. Review status: criteria provided, single submitter. Criteria: CeGaT Center For Human Genetics Tuebingen Variant Classification Criteria Version 2. Collection method: clinical testing. Allele origin: germline. Affected: yes. Observed: 1 variant allele.
Comment: THAP11: BP4, BP7

NM_020457.3(THAP11):c.381G>A (p.Gln127=)

Genes: CENPT (centromere protein T; minus strand), THAP11 (THAP domain containing 11; plus strand). Cytogenetic location: 16q22.1.
Variant type: single nucleotide variant.
Coding change: c.381G>A on transcript NM_020457.3 (MANE Select); coding-DNA position 381, G replaced by A.
Protein change: p.Gln127=; no amino-acid change (glutamine 127 retained).
Molecular consequence: synonymous variant. On other transcripts: intron variant (1).
Genome position (GRCh38, 1-based): chr16:67,842,935, G>A. VCF-style: chr16-67842935-G-A. GRCh37 (hg19) VCF-style: chr16-67876838-G-A.
Other names: c.-492+4466C>T (NM_025082.4).
Identifiers: ClinVar variation 2646641 (VCV002646641.24), dbSNP rs150602676, ClinGen allele CA283195700.
Genomic context (GRCh38, chr16:67,842,935, plus strand): 5'-ACAGCAGCAGCAGCAGCAACAGCAGCAACAGCAGCAGCAGCAGCAACAGCAGCAGCAGCA[G>A]CAGCAGCAGCAGCAGTCCTCACCCTCTGCCTCCACTGCCCAGACTGCCCAGCTGCAGCCG-3'
Protein context (NP_065190.2, residues 117-137): QQQQQQQQQQ[Gln127=]QQQQQSSPSA